The following is an entry in ClinVar:

ClinVar aggregate classification (germline): Uncertain significance. Review status: criteria provided, multiple submitters, no conflicts (2 of 4 stars). 3 submissions from 3 submitters: Uncertain significance (3). Last evaluated 2024-11-07.

Conditions:
Retinal dystrophy. Also called: Inherited retinal dystrophy. Identifiers: Orphanet 71862, MedGen C0854723, MeSH D058499, MONDO:0019118, HP:0000556.

Allele frequency attached by ClinVar (database versions not stated): gnomAD 0.00001 and 0.00003; gnomAD exomes 0.00002 and 0.00003; TOPMed 0.00004; ExAC 0.00005; 1000 Genomes Project 30x 0.00016.

Submissions (3):

Blueprint Genetics
Classification: Uncertain significance. Last evaluated: 2024-11-07. Review status: criteria provided, single submitter. Criteria: ACMG Guidelines, 2015. Collection method: clinical testing. Allele origin: germline.

Dept Of Ophthalmology, Nagoya University
Classification: Uncertain significance for Retinal dystrophy. Last evaluated: 2023-10-01. Review status: criteria provided, single submitter. Criteria: Submitter's publication. Collection method: research. Allele origin: germline. Affected: yes.

Labcorp Genetics (formerly Invitae), Labcorp
Classification: Uncertain significance. Last evaluated: 2022-09-01. Review status: criteria provided, single submitter. Criteria: Invitae Variant Classification Sherloc (09022015). Collection method: clinical testing. Allele origin: germline.
Comment: This sequence change replaces lysine, which is basic and polar, with threonine, which is neutral and polar, at codon 402 of the MAK protein (p.Lys402Thr). This variant is present in population databases (rs200533678, gnomAD 0.04%). This variant has not been reported in the literature in individuals affected with MAK-related conditions. ClinVar contains an entry for this variant (Variation ID: 1376799). Advanced modeling of protein sequence and biophysical properties (such as structural, functional, and spatial information, amino acid conservation, physicochemical variation, residue mobility, and thermodynamic stability) performed at Invitae indicates that this missense variant is not expected to disrupt MAK protein function. In summary, the available evidence is currently insufficient to determine the role of this variant in disease. Therefore, it has been classified as a Variant of Uncertain Significance.

NM_001242957.3(MAK):c.1205A>C (p.Lys402Thr)

Gene: MAK (male germ cell associated kinase; minus strand). Cytogenetic location: 6p24.2.
Variant type: single nucleotide variant.
Coding change: c.1205A>C on transcript NM_001242957.3 (MANE Select); coding-DNA position 1205, A replaced by C.
Protein change: p.Lys402Thr; replaces lysine 402 with threonine.
Molecular consequence: missense variant. On other transcripts: non-coding transcript variant (2).
Genome position (GRCh38, 1-based): chr6:10,791,786, T>G on the plus strand (A>C on the coding strand, the complement: MAK is on the minus strand). VCF-style: chr6-10791786-T-G. GRCh37 (hg19) VCF-style: chr6-10792019-T-G.
Other names: c.1205A>C, p.Lys402Thr (NM_001242385.2, NM_005906.6); c.1103A>C, p.Lys368Thr (NM_001377262.1); short protein forms K368T, K402T.
Identifiers: ClinVar variation 1376799 (VCV001376799.5), dbSNP rs200533678, ClinGen allele CA3633516.